The following is an entry in ClinVar:

NM_006577.6(B3GNT2):c.1035C>T (p.Leu345=)

Gene: B3GNT2 (UDP-GlcNAc:betaGal beta-1,3-N-acetylglucosaminyltransferase 2; plus strand). Cytogenetic location: 2p15.
Variant type: single nucleotide variant.
Coding change: c.1035C>T on transcript NM_006577.6 (MANE Select); coding-DNA position 1035, C replaced by T.
Protein change: p.Leu345=; no amino-acid change (leucine 345 retained).
Molecular consequence: synonymous variant.
Genome position (GRCh38, 1-based): chr2:62,223,255, C>T. VCF-style: chr2-62223255-C-T. GRCh37 (hg19) VCF-style: chr2-62450390-C-T.
Other names: c.1035C>T, p.Leu345= (NM_001319075.2).
Identifiers: ClinVar variation 3057328 (VCV003057328.2), dbSNP rs547861725, ClinGen allele CA1680459.

ClinVar aggregate classification (germline): Likely benign (0 of 4 stars; one submission).

Conditions:
B3GNT2-related disorder. Also called: B3GNT2-related condition.

Allele frequency attached by ClinVar (database versions not stated): TOPMed 0.00002; gnomAD 0.00006; ExAC 0.00007; gnomAD exomes 0.00010; 1000 Genomes Project 30x 0.00031; 1000 Genomes Project 0.00040.
gnomAD v4.1: 155 of 1,614,152 alleles (0.0096%); highest among the groups gnomAD compares: East Asian, 0.28%; 1 homozygote.

Submission:

PreventionGenetics, part of Exact Sciences
Classification: Likely benign for B3GNT2-related condition. Last evaluated: 2019-02-21. Review status: no assertion criteria provided. Collection method: clinical testing. Allele origin: germline.
Comment: This variant is classified as likely benign based on ACMG/AMP sequence variant interpretation guidelines (Richards et al. 2015 PMID: 25741868, with internal and published modifications).